The following is an entry in ClinVar:

NM_001048174.2(MUTYH):c.1454T>A (p.Val485Glu)

Gene: MUTYH (mutY DNA glycosylase; minus strand). Cytogenetic location: 1p34.1.
Variant type: single nucleotide variant.
Coding change: c.1454T>A on transcript NM_001048174.2 (MANE Select); coding-DNA position 1454, T replaced by A.
Protein change: p.Val485Glu; replaces valine 485 with glutamic acid.
Molecular consequence: missense variant. On other transcripts: non-coding transcript variant (2).
Genome position (GRCh38, 1-based): chr1:45,329,418, A>T on the plus strand (T>A on the coding strand, the complement: MUTYH is on the minus strand). VCF-style: chr1-45329418-A-T. GRCh37 (hg19) VCF-style: chr1-45795090-A-T.
Other names: c.1454T>A, p.Val485Glu (NM_001048171.2, NM_001048173.2, NM_001293195.2); c.1457T>A, p.Val486Glu (NM_001048172.2); c.1538T>A, p.Val513Glu (NM_001128425.2); c.1499T>A, p.Val500Glu (NM_001293190.2); c.1487T>A, p.Val496Glu (NM_001293191.2); c.1178T>A, p.Val393Glu (NM_001293192.2, NM_001293196.2); c.1109T>A, p.Val370Glu (NM_001350650.2, NM_001350651.2); c.1529T>A, p.Val510Glu (NM_012222.3); short protein forms V393E, V496E, V500E, V485E, V370E, V486E, V510E, V513E.
Identifiers: ClinVar variation 927258 (VCV000927258.5), dbSNP rs1644378236, ClinGen allele CA340131893.

ClinVar aggregate classification (germline): Uncertain significance. Review status: criteria provided, multiple submitters, no conflicts (2 of 4 stars). 2 submissions from 2 submitters: Uncertain significance (2). Last evaluated 2025-08-27.

Conditions:
Hereditary cancer-predisposing syndrome. Also called: Neoplastic Syndromes, Hereditary; Hereditary Cancer Syndrome; Tumor predisposition; Hereditary neoplastic syndrome. Identifiers: Orphanet 140162, MedGen C0027672, MeSH D009386, MONDO:0015356.

Submissions (2):

Ambry Genetics
Classification: Uncertain significance for Hereditary cancer-predisposing syndrome. Last evaluated: 2025-08-27. Review status: criteria provided, single submitter. Criteria: Ambry Variant Classification Scheme 2023. Collection method: clinical testing. Allele origin: germline.
Comment: The p.V513E variant (also known as c.1538T>A), located in coding exon 16 of the MUTYH gene, results from a T to A substitution at nucleotide position 1538. The valine at codon 513 is replaced by glutamic acid, an amino acid with dissimilar properties. This amino acid position is conserved. In addition, this alteration is predicted to be tolerated by in silico analysis. Based on the available evidence, the clinical significance of this variant remains unclear.

Color Diagnostics, LLC DBA Color Health
Classification: Uncertain significance for Hereditary cancer-predisposing syndrome. Last evaluated: 2024-03-07. Review status: criteria provided, single submitter. Criteria: ACMG Guidelines, 2015. Collection method: clinical testing. Allele origin: germline.
Comment: This missense variant replaces valine with glutamic acid at codon 513 of the MUTYH protein. Computational prediction suggests that this variant may not impact protein structure and function (internally defined REVEL score threshold <= 0.5, PMID: 27666373). Splice site prediction tools suggest that this variant may not impact RNA splicing. To our knowledge, functional studies have not been performed for this variant. This variant has not been reported in individuals affected with hereditary cancer in the literature. This variant has not been identified in the general population by the Genome Aggregation Database (gnomAD). The available evidence is insufficient to determine the role of this variant in disease conclusively. Therefore, this variant is classified as a Variant of Uncertain Significance.